The following is an entry in ClinVar:

ClinVar aggregate classification (germline): Uncertain significance (1 of 4 stars; one submission).

Submission:

GeneDx
Classification: Uncertain significance. Last evaluated: 2025-06-04. Review status: criteria provided, single submitter. Criteria: GeneDx Variant Classification Process June 2021. Collection method: clinical testing. Allele origin: germline.
Comment: Not observed at significant frequency in large population cohorts (gnomAD); In silico analysis suggests that this missense variant does not alter protein structure/function; Has not been previously published as pathogenic or benign to our knowledge

NM_014991.6(WDFY3):c.2237G>A (p.Arg746Lys)

Genes: WDFY3 (WD repeat and FYVE domain containing 3; minus strand), WDFY3-AS1 (WDFY3 antisense RNA 1; plus strand). Cytogenetic location: 4q21.23.
Variant type: single nucleotide variant.
Coding change: c.2237G>A on transcript NM_014991.6 (MANE Select); coding-DNA position 2237, G replaced by A.
Protein change: p.Arg746Lys; replaces arginine 746 with lysine.
Molecular consequence: missense variant.
Genome position (GRCh38, 1-based): chr4:84,809,995, C>T on the plus strand (G>A on the coding strand, the complement: WDFY3 is on the minus strand). VCF-style: chr4-84809995-C-T. GRCh37 (hg19) VCF-style: chr4-85731148-C-T.
Other names: short protein forms R746K.
Identifiers: ClinVar variation 3361853 (VCV003361853.2).
Genomic context (GRCh38, chr4:84,809,995, plus strand): 5'-CTGCAGTGCCGTAACGTGGGTGACACTGATTCTATTGAGATTACATCTTCCTCTAAAAGT[C>T]TTTGAAATGGCTGTGTATTTGAGGGGAAGACATTCATGGCGCTTATTTTTCTTAGGTCTG-3'
Protein context (NP_055806.2, residues 736-756): VFPSNTQPFQ[Arg746Lys]LLEEDVISIE